The following is an entry in ClinVar:

ClinVar aggregate classification (germline): Pathogenic/Likely pathogenic. Review status: criteria provided, multiple submitters, no conflicts (2 of 4 stars). 2 submissions from 2 submitters: Pathogenic (1); Likely pathogenic (1). Last evaluated 2024-01-30.

Conditions:
Hereditary factor VIII deficiency disease (HEMA). Also called: HEMOPHILIA, CLASSIC; AUTOSOMAL HEMOPHILIA A; Hemophilia A; Hemophilia A, congenital; HEM A; Factor 8 deficiency, congenital. Identifiers: Orphanet 98878, MedGen C0019069, MONDO:0010602, OMIM 306700.

Submissions (2):

Women's Health and Genetics/Laboratory Corporation of America, LabCorp
Classification: Likely pathogenic for Hereditary factor VIII deficiency disease. Last evaluated: 2024-01-30. Review status: criteria provided, single submitter. Criteria: LabCorp Variant Classification Summary - May 2015. Collection method: clinical testing. Allele origin: germline.
Comment: Variant summary: F8 c.6956dupC (p.Leu2320ValfsX65) causes a frameshift which results in an extension of the protein. The variant was absent in 182967 control chromosomes (gnomAD). c.6956dupC has been reported in the literature in at least one individual affected with Factor VIII Deficiency (Hemophilia A) (e.g., Johnsen_2017, F8 database). FVIII:C activity in this individual was also reported to be <1%. The following publication have been ascertained in the context of this evaluation (PMID: 29296726). ClinVar contains an entry for this variant (Variation ID: 1330566). Additionally, several upstream and downstream variants resulting in the same protein extension (e.g., c.6988dupC/p.Gln2330Profs*55, c.6994dupT/p.Trp2332Leufs*53, c.7006dupA/p.Ile2336Asnfs*49) have been reported in the patients with Hemophilia A (HGMD). Based on the evidence outlined above, the variant was classified as likely pathogenic.

ARUP Laboratories, Molecular Genetics and Genomics, ARUP Laboratories
Classification: Pathogenic for Hereditary factor VIII deficiency disease. Last evaluated: 2021-04-06. Review status: criteria provided, single submitter. Criteria: ARUP Molecular Germline Variant Investigation Process 2021. Collection method: clinical testing. Allele origin: germline.
Comment: The F8 c.6956dupC; p.Leu2320ValfsTer65 variant (rs1475873048), is reported in the literature in an individual affected with severe hemophilia A (see F8 database and references therein). This variant is absent from the Genome Aggregation Database, indicating it is not a common polymorphism. This variant causes a frameshift by inserting a single nucleotide, so it is predicted to result in a truncated protein or mRNA subject to nonsense-mediated decay. Additionally, another frameshift variant at this codon (c.6956_6957dupCACC, p.Leu2320ThrfsTer66) has been reported in individuals with severe hemophilia A and is considered pathogenic (Guo 2018). Based on available information, this variant is considered to be pathogenic. References: Link to Factor VIII database: Guo Z et al. Spectrum of Molecular Defects in 216 Chinese Families With Hemophilia A: Identification of Noninversion Mutation Hot Spots and 42 Novel Mutations. Clin Appl Thromb Hemost. 2018 Jan;24(1):70-78. PMID: 28056528.

Literature cited by the submitters: PubMed 29296726 (cited by Women's Health and Genetics/Laboratory Corporation of America, LabCorp).

NM_000132.4(F8):c.6956dup (p.Leu2320fs)

Gene: F8 (coagulation factor VIII; minus strand). Cytogenetic location: Xq28.
Variant type: Duplication.
Coding change: c.6956dup on transcript NM_000132.4 (MANE Select); coding-DNA position 6956, one base duplicated (C; older notation c.6956dupC).
Protein change: p.Leu2320fs; shifts the reading frame from leucine 2320.
Molecular consequence: frameshift variant.
Genome position (GRCh38, 1-based): chrX:154,837,697, G duplicated on the plus strand (C on the coding strand, the reverse complement: F8 is on the minus strand); the first of 2 consecutive G bases (chrX:154,837,697-154,837,698); duplicating either gives the same sequence. VCF-style (leftmost placement, unchanged base first): chrX-154837696-C-CG. GRCh37 (hg19) VCF-style: chrX-154065971-C-CG.
Other names: c.551dup, p.Leu185fs (NM_019863.3); c.6956dupC (NM_000132.4); short protein forms L185fs, L2320fs.
Identifiers: ClinVar variation 1330566 (VCV001330566.8), dbSNP rs1475873048, ClinGen allele CA873360978.